The following is an entry in ClinVar:

ClinVar aggregate classification (germline): Uncertain significance. Review status: criteria provided, multiple submitters, no conflicts (2 of 4 stars). 2 submissions from 2 submitters: Uncertain significance (2). Last evaluated 2024-01-02.

Allele frequency attached by ClinVar (database versions not stated): ExAC 0.00001; TOPMed 0.00001; gnomAD exomes 0.00002.
gnomAD v4.1: 33 of 1,612,988 alleles (0.002%); highest among the groups gnomAD compares: Middle Eastern, 0.034%; no homozygotes.

Submissions (2):

Labcorp Genetics (formerly Invitae), Labcorp
Classification: Uncertain significance. Last evaluated: 2024-01-02. Review status: criteria provided, single submitter. Criteria: Invitae Variant Classification Sherloc (09022015). Collection method: clinical testing. Allele origin: germline.
Comment: This sequence change replaces valine, which is neutral and non-polar, with methionine, which is neutral and non-polar, at codon 397 of the COQ8A protein (p.Val397Met). This variant is present in population databases (rs777934964, gnomAD 0.01%). This variant has not been reported in the literature in individuals affected with COQ8A-related conditions. ClinVar contains an entry for this variant (Variation ID: 861520). Advanced modeling of protein sequence and biophysical properties (such as structural, functional, and spatial information, amino acid conservation, physicochemical variation, residue mobility, and thermodynamic stability) has been performed at Invitae for this missense variant, however the output from this modeling did not meet the statistical confidence thresholds required to predict the impact of this variant on COQ8A protein function. In summary, the available evidence is currently insufficient to determine the role of this variant in disease. Therefore, it has been classified as a Variant of Uncertain Significance.

Athena Diagnostics
Classification: Uncertain significance. Last evaluated: 2021-09-21. Review status: criteria provided, single submitter. Criteria: Athena Diagnostics Criteria. Collection method: clinical testing. Allele origin: unknown.

NM_020247.5(COQ8A):c.1189G>A (p.Val397Met)

Gene: COQ8A (coenzyme Q8A; plus strand). Cytogenetic location: 1q42.13.
Variant type: single nucleotide variant.
Coding change: c.1189G>A on transcript NM_020247.5 (MANE Select); coding-DNA position 1189, G replaced by A.
Protein change: p.Val397Met; replaces valine 397 with methionine.
Molecular consequence: missense variant.
Genome position (GRCh38, 1-based): chr1:226,983,787, G>A. VCF-style: chr1-226983787-G-A. GRCh37 (hg19) VCF-style: chr1-227171488-G-A.
Other names: short protein forms V397M.
Identifiers: ClinVar variation 861520 (VCV000861520.6), dbSNP rs777934964, ClinGen allele CA1425356.
Genomic context (GRCh38, chr1:226,983,787, plus strand): 5'-CCCTTCCTCGCTGATGCCCTCCTCCCTGGCCCAGGCCTGTTCCCCGAGCACCTGATCGAC[G>A]TGCTGAGGCGGGAGCTGGCCCTGGAGTGTGACTACCAGCGAGAGGCCGCCTGTGCCCGCA-3'
Protein context (NP_064632.2, residues 387-407): EGLFPEHLID[Val397Met]LRRELALECD